The following is an entry in ClinVar:

ClinVar aggregate classification (germline): Uncertain significance (1 of 4 stars; one submission).

Submission:

Labcorp Genetics (formerly Invitae), Labcorp
Classification: Uncertain significance. Last evaluated: 2022-02-11. Review status: criteria provided, single submitter. Criteria: Invitae Variant Classification Sherloc (09022015). Collection method: clinical testing. Allele origin: germline.
Comment: Algorithms developed to predict the effect of missense changes on protein structure and function are either unavailable or do not agree on the potential impact of this missense change (SIFT: "Tolerated"; PolyPhen-2: "Not Available"; Align-GVGD: "Class C0"). In summary, the available evidence is currently insufficient to determine the role of this variant in disease. Therefore, it has been classified as a Variant of Uncertain Significance. This variant has not been reported in the literature in individuals affected with DDX3X-related conditions. This variant is not present in population databases (gnomAD no frequency). This sequence change replaces alanine, which is neutral and non-polar, with glycine, which is neutral and non-polar, at codon 17 of the DDX3X protein (p.Ala17Gly).

NM_001356.5(DDX3X):c.50C>G (p.Ala17Gly)

Gene: DDX3X (DEAD-box helicase 3 X-linked; plus strand). Cytogenetic location: Xp11.4.
Variant type: single nucleotide variant.
Coding change: c.50C>G on transcript NM_001356.5 (MANE Select); coding-DNA position 50, C replaced by G.
Protein change: p.Ala17Gly; replaces alanine 17 with glycine.
Molecular consequence: missense variant. On other transcripts: 5 prime UTR variant (1), non-coding transcript variant (2).
Genome position (GRCh38, 1-based): chrX:41,337,412, C>G. VCF-style: chrX-41337412-C-G. GRCh37 (hg19) VCF-style: chrX-41196665-C-G.
Other names: c.50C>G, p.Ala17Gly (NM_001193416.3, NM_001193417.3); c.-1854C>G (NM_001363819.1); short protein forms A17G.
Identifiers: ClinVar variation 2096294 (VCV002096294.4), dbSNP rs1158832456, ClinGen allele CA412762246.